The following is an entry in ClinVar:

ClinVar aggregate classification (germline): Likely benign (1 of 4 stars; one submission).

gnomAD v4.1: 5 of 1,613,882 alleles (0.00031%); highest among the groups gnomAD compares: Middle Eastern, 0.016%; no homozygotes.

Submission:

CeGaT Center for Human Genetics Tuebingen
Classification: Likely benign. Last evaluated: 2026-09-01. Review status: criteria provided, single submitter. Criteria: CeGaT Center For Human Genetics Tuebingen Variant Classification Criteria Version 2. Collection method: clinical testing. Allele origin: germline. Affected: yes. Observed: 1 variant allele.
Comment: CCNF: BP4, BP7

NM_001761.3(CCNF):c.1257G>A (p.Thr419=)

Gene: CCNF (cyclin F; plus strand). Cytogenetic location: 16p13.3.
Variant type: single nucleotide variant.
Coding change: c.1257G>A on transcript NM_001761.3 (MANE Select); coding-DNA position 1257, G replaced by A.
Protein change: p.Thr419=; no amino-acid change (threonine 419 retained).
Molecular consequence: synonymous variant.
Genome position (GRCh38, 1-based): chr16:2,449,320, G>A. VCF-style: chr16-2449320-G-A. GRCh37 (hg19) VCF-style: chr16-2499321-G-A.
Other names: c.333G>A, p.Thr111= (NM_001323538.2).
Identifiers: ClinVar variation 5041210 (VCV005041210.1).